The following is an entry in ClinVar:

ClinVar aggregate classification (germline): Benign. Review status: criteria provided, multiple submitters, no conflicts (2 of 4 stars). 3 submissions from 3 submitters: Benign (3). Last evaluated 2026-02-01.

Allele frequency attached by ClinVar (database versions not stated): ESP Exome Variant Server 0.00123; gnomAD 0.00140 and 0.00176; TOPMed 0.00147; 1000 Genomes Project 30x 0.00219; 1000 Genomes Project 0.00240; gnomAD exomes 0.00242 and 0.00306.
gnomAD v4.1: 3,787 of 1,612,862 alleles (0.23%); highest among the groups gnomAD compares: South Asian, 1.3%; 34 homozygotes.

Submissions (3):

CeGaT Center for Human Genetics Tuebingen
Classification: Benign. Last evaluated: 2026-02-01. Review status: criteria provided, single submitter. Criteria: CeGaT Center For Human Genetics Tuebingen Variant Classification Criteria Version 2. Collection method: clinical testing. Allele origin: germline. Affected: yes. Observed: 4 variant alleles.
Comment: MYO18B: BP4, BP7, BS1, BS2

Labcorp Genetics (formerly Invitae), Labcorp
Classification: Benign. Last evaluated: 2026-01-26. Review status: criteria provided, single submitter. Criteria: Invitae Variant Classification Sherloc (09022015). Collection method: clinical testing. Allele origin: germline.

Breakthrough Genomics
Classification: Benign. Review status: criteria provided, single submitter. Criteria: ACMG Guidelines, 2015. Collection method: not provided. Allele origin: germline. Inheritance: Autosomal recessive inheritance. Affected: yes.

NM_032608.7(MYO18B):c.936A>G (p.Gln312=)

Gene: MYO18B (myosin XVIIIB; plus strand). Cytogenetic location: 22q12.1.
Variant type: single nucleotide variant.
Coding change: c.936A>G on transcript NM_032608.7 (MANE Select); coding-DNA position 936, A replaced by G.
Protein change: p.Gln312=; no amino-acid change (glutamine 312 retained).
Molecular consequence: synonymous variant.
Genome position (GRCh38, 1-based): chr22:25,768,852, A>G. VCF-style: chr22-25768852-A-G. GRCh37 (hg19) VCF-style: chr22-26164819-A-G.
Other names: c.936A>G, p.Gln312= (NM_001318245.2).
Identifiers: ClinVar variation 1576109 (VCV001576109.31), dbSNP rs76453531, ClinGen allele CA10159724.
Genomic context (GRCh38, chr22:25,768,852, plus strand): 5'-GGTGGAAAAGGGGAATGTCTCTAAGGACGTAGGGAGTGAAGGGAAGCACGTAAGGCCCCA[A>G]ATCCCTGGGAGAAAGTGGGGAGGTTTCCTGGGAAGAAGGAGTAAGTGGGACGGTCCCCAG-3'
Protein context (NP_115997.5, residues 302-322): VGSEGKHVRP[Gln312=]IPGRKWGGFL